The following is an entry in ClinVar:

ClinVar aggregate classification (germline): Uncertain significance. Review status: criteria provided, multiple submitters, no conflicts (2 of 4 stars). 8 submissions from 8 submitters: Uncertain significance (5). 3 of the submissions do not count toward it. Last evaluated 2025-10-11.

Conditions:
Primary dilated cardiomyopathy (DCM). Also called: Dilated Cardiomyopathy. Identifiers: Orphanet 217604, MedGen C0007193, MeSH D002311, MONDO:0005021, HP:0001644. Inheritance: Various modes of inheritance.
Myofibrillar myopathy 4. Also called: Zaspopathy (type). Identifiers: Orphanet 98912, MedGen C4721886, MONDO:0012277, OMIM 609452.
Cardiovascular phenotype. Identifiers: MedGen CN230736.

Allele frequency attached by ClinVar (database versions not stated): gnomAD exomes 0.00004; ExAC 0.00005; TOPMed 0.00007; gnomAD 0.00009; ESP Exome Variant Server 0.00016.
gnomAD v4.1: 71 of 1,614,116 alleles (0.0044%); highest among the groups gnomAD compares: Middle Eastern, 0.016%; no homozygotes.

Submissions (8):

Labcorp Genetics (formerly Invitae), Labcorp
Classification: Uncertain significance for Myofibrillar myopathy 4. Last evaluated: 2025-10-11. Review status: criteria provided, single submitter. Criteria: Invitae Variant Classification Sherloc (09022015). Collection method: clinical testing. Allele origin: germline.
Comment: This sequence change replaces glycine, which is neutral and non-polar, with serine, which is neutral and polar, at codon 145 of the LDB3 protein (p.Gly145Ser). This variant is present in population databases (rs376489385, gnomAD 0.02%). This missense change has been observed in individual(s) with clinical features of hypertrophic cardiomyopathy and dilated cardiomyopathy (PMID: 31737537, 36178741). ClinVar contains an entry for this variant (Variation ID: 518946). An algorithm developed to predict the effect of missense changes on protein structure and function (PolyPhen-2) suggests that this variant is likely to be tolerated. In summary, the available evidence is currently insufficient to determine the role of this variant in disease. Therefore, it has been classified as a Variant of Uncertain Significance.

Mayo Clinic Laboratories, Mayo Clinic
Classification: Uncertain significance. Last evaluated: 2021-12-23. Review status: criteria provided, single submitter. Criteria: ACMG Guidelines, 2015. Collection method: clinical testing. Allele origin: germline.

Klaassen Lab, Charite University Medicine Berlin
Classification: Uncertain significance for Primary dilated cardiomyopathy. Last evaluated: 2019-07-03. Review status: criteria provided, single submitter. Criteria: ACMG Guidelines, 2015. Collection method: research. Allele origin: germline. Affected: yes.

Genomic Research Center, Shahid Beheshti University of Medical Sciences
Classification: Uncertain significance for Myofibrillar myopathy 4. Last evaluated: 2018-03-05. Review status: criteria provided, single submitter. Criteria: ACMG Guidelines, 2015. Collection method: clinical testing. Allele origin: inherited. Affected: yes. Observed: 1 variant allele.

Ambry Genetics
Classification: Uncertain significance for Cardiovascular phenotype. Last evaluated: 2016-10-20. Review status: criteria provided, single submitter. Criteria: Ambry Variant Classification Scheme 2023. Collection method: clinical testing. Allele origin: germline.
Comment: The p.G145S variant (also known as c.433G>A), located in coding exon 5 of the LDB3 gene, results from a G to A substitution at nucleotide position 433. The glycine at codon 145 is replaced by serine, an amino acid with similar properties. Based on data from the NHLBI Exome Sequencing Project (ESP), the A allele has an overall frequency of approximately 0.02% (2/12806) total alleles studied and 0.02% (2/8498) European American alleles. Based on data from ExAC, the A allele has an overall frequency of less than 0.01% (5/105598). This amino acid position is highly conserved in available vertebrate species. In addition, the in silico prediction for this alteration is inconclusive. Since supporting evidence is limited at this time, the clinical significance of this alteration remains unclear.

Clinical Genetics DNA and cytogenetics Diagnostics Lab, Erasmus MC, Erasmus Medical Center
Classification: Uncertain significance. Review status: no assertion criteria provided. Collection method: clinical testing. Allele origin: germline. Affected: yes. Study: VKGL Data-share Consensus. Not counted in ClinVar's aggregate classification.

Genome Diagnostics Laboratory, Amsterdam University Medical Center
Classification: Uncertain significance. Review status: no assertion criteria provided. Collection method: clinical testing. Allele origin: germline. Affected: yes. Study: VKGL Data-share Consensus. Not counted in ClinVar's aggregate classification.

Joint Genome Diagnostic Labs from Nijmegen and Maastricht, Radboudumc and MUMC+
Classification: Uncertain significance. Review status: no assertion criteria provided. Collection method: clinical testing. Allele origin: germline. Affected: yes. Study: VKGL Data-share Consensus. Not counted in ClinVar's aggregate classification.

Literature cited by the submitters: PubMed 31737537 (cited by Labcorp Genetics (formerly Invitae), Labcorp); PubMed 36178741 (cited by Labcorp Genetics (formerly Invitae), Labcorp); PubMed 31333075 (cited by Klaassen Lab, Charite University Medicine Berlin); PubMed 31568572 (cited by Klaassen Lab, Charite University Medicine Berlin).

NM_001368067.1(LDB3):c.433G>A (p.Gly145Ser)

Genes: LDB3 (LIM domain binding 3; plus strand), LOC110121486 (VISTA enhancer hs2143; plus strand). Cytogenetic location: 10q23.2.
Variant type: single nucleotide variant.
Coding change: c.433G>A on transcript NM_001368067.1 (MANE Plus Clinical); coding-DNA position 433, G replaced by A.
Protein change: p.Gly145Ser; replaces glycine 145 with serine.
Molecular consequence: missense variant. On other transcripts: intron variant (5).
Genome position (GRCh38, 1-based): chr10:86,687,157, G>A. VCF-style: chr10-86687157-G-A. GRCh37 (hg19) VCF-style: chr10-88446914-G-A.
Other names: c.690-4739G>A (NM_007078.2, NM_001368064.1, NM_001368063.1 and 3 more transcripts); c.433G>A, p.Gly145Ser (NM_001080114.2, NM_001080116.1, NM_001368066.1 and 1 more transcripts); c.778G>A, p.Gly260Ser (NM_001171610.2, NM_001171611.2); short protein forms G145S, G260S.
Identifiers: ClinVar variation 518946 (VCV000518946.30), dbSNP rs376489385, ClinGen allele CA5584823.